The following is an entry in ClinVar:

ClinVar aggregate classification (germline): Uncertain significance. Review status: criteria provided, multiple submitters, no conflicts (2 of 4 stars). 2 submissions from 2 submitters: Uncertain significance (2). Last evaluated 2023-08-21.

Conditions:
Developmental and epileptic encephalopathy, 31A. Also called: Epileptic encephalopathy, early infantile, 31; Developmental and epileptic encephalopathy, 31. Identifiers: Orphanet 2382, MedGen C4225357, MONDO:0014598, OMIM 616346.

Allele frequency attached by ClinVar (database versions not stated): gnomAD exomes below 0.00001; gnomAD 0.00001.
gnomAD v4.1: 2 of 1,605,770 alleles (0.00012%); highest among the groups gnomAD compares: African/African-American, 0.0013%; no homozygotes.

Submissions (2):

Women's Health and Genetics/Laboratory Corporation of America, LabCorp
Classification: Uncertain significance. Last evaluated: 2023-08-21. Review status: criteria provided, single submitter. Criteria: LabCorp Variant Classification Summary - May 2015. Collection method: clinical testing. Allele origin: germline.
Comment: Variant summary: DNM1 c.1891G>C (p.Gly631Arg) results in a non-conservative amino acid change in the encoded protein sequence. Three of five in-silico tools predict a benign effect of the variant on protein function. 4/4 computational tools predict no significant impact on normal splicing. However, these predictions have yet to be confirmed by functional studies. The variant allele was found at a frequency of 6.6e-06 in 150974 control chromosomes (gnomAD v3.1.2). The available data on variant occurrences in the general population are insufficient to allow any conclusion about variant significance. To our knowledge, no occurrence of c.1891G>C in individuals affected with Developmental And Epileptic Encephalopathy, 31 and no experimental evidence demonstrating its impact on protein function have been reported. One ClinVar submitter has assessed the variant since 2014, and classified the variant as uncertain significance. Based on the evidence outlined above, the variant was classified as uncertain significance.

Labcorp Genetics (formerly Invitae), Labcorp
Classification: Uncertain significance for Developmental and epileptic encephalopathy, 31A. Last evaluated: 2019-12-27. Review status: criteria provided, single submitter. Criteria: Invitae Variant Classification Sherloc (09022015). Collection method: clinical testing. Allele origin: germline.
Comment: This variant is not present in population databases (ExAC no frequency). This sequence change replaces glycine with arginine at codon 631 of the DNM1 protein (p.Gly631Arg). The glycine residue is moderately conserved and there is a moderate physicochemical difference between glycine and arginine. This variant has not been reported in the literature in individuals with DNM1-related conditions. In summary, the available evidence is currently insufficient to determine the role of this variant in disease. Therefore, it has been classified as a Variant of Uncertain Significance. Algorithms developed to predict the effect of missense changes on protein structure and function (SIFT, PolyPhen-2, Align-GVGD) all suggest that this variant is likely to be tolerated, but these predictions have not been confirmed by published functional studies and their clinical significance is uncertain.

NM_004408.4(DNM1):c.1891G>C (p.Gly631Arg)

Gene: DNM1 (dynamin 1; plus strand). Cytogenetic location: 9q34.11.
Variant type: single nucleotide variant.
Coding change: c.1891G>C on transcript NM_004408.4 (MANE Select); coding-DNA position 1891, G replaced by C.
Protein change: p.Gly631Arg; replaces glycine 631 with arginine.
Molecular consequence: missense variant.
Genome position (GRCh38, 1-based): chr9:128,247,484, G>C. VCF-style: chr9-128247484-G-C. GRCh37 (hg19) VCF-style: chr9-131009763-G-C.
Other names: c.1891G>C, p.Gly631Arg (NM_001005336.3, NM_001288737.2, NM_001288738.2 and 2 more transcripts); short protein forms G631R.
Identifiers: ClinVar variation 857977 (VCV000857977.14), dbSNP rs1333859821, ClinGen allele CA375028528.
Genomic context (GRCh38, chr9:128,247,484, plus strand): 5'-GAGGAGGTGGACAGCTGGAAGGCCTCCTTCCTGAGGGCTGGCGTGTACCCTGAGCGTGTT[G>C]GGGTGAGTGGCAGGGCAAGGAGAGGAAGGGCAAGCATGATCCTAGGGCCCCTGGGGCACC-3'
Protein context (NP_004399.2, residues 621-641): LRAGVYPERV[Gly631Arg]DKEKASETEE